The following is an entry in ClinVar:

NM_006231.4(POLE):c.6338C>A (p.Ser2113Tyr)

Gene: POLE (DNA polymerase epsilon, catalytic subunit; minus strand). Cytogenetic location: 12q24.33.
Variant type: single nucleotide variant.
Coding change: c.6338C>A on transcript NM_006231.4 (MANE Select); coding-DNA position 6338, C replaced by A.
Protein change: p.Ser2113Tyr; replaces serine 2113 with tyrosine.
Molecular consequence: missense variant.
Genome position (GRCh38, 1-based): chr12:132,626,310, G>T on the plus strand (C>A on the coding strand, the complement: POLE is on the minus strand). VCF-style: chr12-132626310-G-T. GRCh37 (hg19) VCF-style: chr12-133202896-G-T.
Other names: short protein forms S2113Y.
Identifiers: ClinVar variation 4141071 (VCV004141071.1).

ClinVar aggregate classification (germline): Uncertain significance (1 of 4 stars; one submission).

Conditions:
Hereditary cancer-predisposing syndrome. Also called: Hereditary neoplastic syndrome; Neoplastic Syndromes, Hereditary; Tumor predisposition; Hereditary Cancer Syndrome. Identifiers: Orphanet 140162, MedGen C0027672, MeSH D009386, MONDO:0015356.

Submission:

Ambry Genetics
Classification: Uncertain significance for Hereditary cancer-predisposing syndrome. Last evaluated: 2025-08-22. Review status: criteria provided, single submitter. Criteria: Ambry Variant Classification Scheme 2023. Collection method: clinical testing. Allele origin: germline.
Comment: The p.S2113Y variant (also known as c.6338C>A), located in coding exon 46 of the POLE gene, results from a C to A substitution at nucleotide position 6338. The serine at codon 2113 is replaced by tyrosine, an amino acid with dissimilar properties. This amino acid position is conserved. In addition, the in silico prediction for this alteration is inconclusive. Based on the available evidence, the clinical significance of this variant remains unclear.